The following is an entry in ClinVar:

ClinVar aggregate classification (germline): Uncertain significance (1 of 4 stars; one submission).

Allele frequency attached by ClinVar (database versions not stated): gnomAD exomes below 0.00001; gnomAD 0.00001.
gnomAD v4.1: 2 of 1,590,658 alleles (0.00013%); highest among the groups gnomAD compares: Middle Eastern, 0.037%; no homozygotes.

Submission:

Women's Health and Genetics/Laboratory Corporation of America, LabCorp
Classification: Uncertain significance. Last evaluated: 2022-06-09. Review status: criteria provided, single submitter. Criteria: LabCorp Variant Classification Summary - May 2015. Collection method: clinical testing. Allele origin: germline.
Comment: Variant summary: DNA2 c.1061T>A (p.Leu354X) results in a premature termination codon, predicted to cause a truncation of the encoded protein or absence of the protein due to nonsense mediated decay. Current evidences are not sufficient to establish as loss-of function in molecular mechanism of DNA2 cause disease. The variant was absent in 233508 control chromosomes (gnomAD). The available data on variant occurrences in the general population are insufficient to allow any conclusion about variant significance. To our knowledge, no occurrence of c.1061T>A in individuals affected with Progressive External Ophthalmoplegia With Mitochondrial DNA Deletions, Autosomal Dominant 6 and no experimental evidence demonstrating its impact on protein function have been reported. No clinical diagnostic laboratories have submitted clinical-significance assessments for this variant to ClinVar after 2014. Based on the evidence outlined above, the variant was classified as uncertain significance.

NM_001080449.3(DNA2):c.1061T>A (p.Leu354Ter)

Gene: DNA2 (DNA replication helicase/nuclease 2; minus strand). Cytogenetic location: 10q21.3.
Variant type: single nucleotide variant.
Coding change: c.1061T>A on transcript NM_001080449.3 (MANE Select); coding-DNA position 1061, T replaced by A.
Protein change: p.Leu354Ter; replaces leucine 354 with a stop codon.
Molecular consequence: nonsense. On other transcripts: non-coding transcript variant (1).
Genome position (GRCh38, 1-based): chr10:68,445,080, A>T on the plus strand (T>A on the coding strand, the complement: DNA2 is on the minus strand). VCF-style: chr10-68445080-A-T. GRCh37 (hg19) VCF-style: chr10-70204837-A-T.
Other names: short protein forms L354*.
Identifiers: ClinVar variation 1698530 (VCV001698530.1), dbSNP rs2133402732, ClinGen allele CA376862780.